The following is an entry in ClinVar:

Single allele

Variant type: Duplication.
Genome position: GRCh38: chr3:65,220,908-65,226,921. GRCh37 (hg19): chr3:65,206,583-65,212,596.
Identifiers: ClinVar variation 156866 (VCV000156866.2).

ClinVar aggregate classification (germline): not provided (0 of 4 stars; one submission).

Conditions:
Large for gestational age. Identifiers: MedGen C1848395, HP:0001520.

Submission:

Institute of Molecular and Cell Biology, University of Tartu
No classification provided. Condition: Large for gestational age. Review status: no classification provided. Collection method: case-control. Allele origin: unknown. Affected: yes. Study: Kasak2014.
Comment: The study aimed to determine the contribution of copy number variants in the genetic etiology of normal and complicated pregnancies. The samples represented (i) maternal blood DNA drawn from healthy pregnant women during 1st or 2nd trimester and (ii) maternal and paternal blood DNA drawn at term pregnancy cases representing normal and complicated gestations (severe preeclampsia, PE; gestational diabetes, GD; small-for-gestational age newborn, SGA; large-for-gestational age newborn, LGA). We performed CNV calling based on genome-wide genotyping dataset (Illumina HumanOmniExpress-24-v1 BeadChip) by applying three algorithms, QuantiSNP, GADA (Genome Alteration Detection Algorithm) and CNstream in parallel. The acquired CNV calls were merged with HD-CNV (Hotspot Detector for Copy Number Variants) program and only the CNVs predicted by at least two programs, were considered in subsequent analysis.

Literature cited by the submitters: PubMed 25666259.